The following is an entry in ClinVar:

NM_002473.6(MYH9):c.4692C>T (p.Ala1564=)

Gene: MYH9 (myosin heavy chain 9; minus strand). Cytogenetic location: 22q12.3.
Variant type: single nucleotide variant.
Coding change: c.4692C>T on transcript NM_002473.6 (MANE Select); coding-DNA position 4692, C replaced by T.
Protein change: p.Ala1564=; no amino-acid change (alanine 1564 retained).
Molecular consequence: synonymous variant.
Genome position (GRCh38, 1-based): chr22:36,288,805, G>A on the plus strand (C>T on the coding strand, the complement: MYH9 is on the minus strand). VCF-style: chr22-36288805-G-A. GRCh37 (hg19) VCF-style: chr22-36684851-G-A.
Identifiers: ClinVar variation 1897583 (VCV001897583.7), dbSNP rs1193072125, ClinGen allele CA514473456.

ClinVar aggregate classification (germline): Likely benign. Review status: criteria provided, single submitter (1 of 4 stars). 2 submissions from 2 submitters: Likely benign (1). 1 of the submissions does not count toward it. Last evaluated 2022-10-17.

Conditions:
MYH9-related disorder. Identifiers: MedGen C1854520.

Allele frequency attached by ClinVar (database versions not stated): gnomAD exomes below 0.00001; TOPMed 0.00002.
gnomAD v4.1: 9 of 1,613,078 alleles (0.00056%); highest among the groups gnomAD compares: Admixed American, 0.0017%; no homozygotes.

Submissions (2):

Labcorp Genetics (formerly Invitae), Labcorp
Classification: Likely benign. Last evaluated: 2022-10-17. Review status: criteria provided, single submitter. Criteria: Invitae Variant Classification Sherloc (09022015). Collection method: clinical testing. Allele origin: germline.

PreventionGenetics, part of Exact Sciences
Classification: Likely benign for MYH9-related condition. Last evaluated: 2022-12-21. Review status: no assertion criteria provided. Collection method: clinical testing. Allele origin: germline. Not counted in ClinVar's aggregate classification.
Comment: This variant is classified as likely benign based on ACMG/AMP sequence variant interpretation guidelines (Richards et al. 2015 PMID: 25741868, with internal and published modifications).